The following is an entry in ClinVar:

ClinVar aggregate classification (germline): Uncertain significance (1 of 4 stars; one submission).

Submission:

GeneDx
Classification: Uncertain significance. Last evaluated: 2025-06-03. Review status: criteria provided, single submitter. Criteria: GeneDx Variant Classification Process June 2021. Collection method: clinical testing. Allele origin: germline. Affected: yes.
Comment: Not observed at significant frequency in large population cohorts (gnomAD); In silico analysis supports that this missense variant has a deleterious effect on protein structure/function; Has not been previously published as pathogenic or benign to our knowledge

NM_014712.3(SETD1A):c.518G>A (p.Gly173Glu)

Gene: SETD1A (SET domain containing 1A, histone lysine methyltransferase; plus strand). Cytogenetic location: 16p11.2.
Variant type: single nucleotide variant.
Coding change: c.518G>A on transcript NM_014712.3 (MANE Select); coding-DNA position 518, G replaced by A.
Protein change: p.Gly173Glu; replaces glycine 173 with glutamic acid.
Molecular consequence: missense variant.
Genome position (GRCh38, 1-based): chr16:30,963,433, G>A. VCF-style: chr16-30963433-G-A. GRCh37 (hg19) VCF-style: chr16-30974754-G-A.
Other names: short protein forms G173E.
Identifiers: ClinVar variation 4536387 (VCV004536387.1).